The following is an entry in ClinVar:

NM_031935.3(HMCN1):c.23A>T (p.His8Leu)

Gene: HMCN1 (hemicentin 1; plus strand). Cytogenetic location: 1q25.3.
Variant type: single nucleotide variant.
Coding change: c.23A>T on transcript NM_031935.3 (MANE Select); coding-DNA position 23, A replaced by T.
Protein change: p.His8Leu; replaces histidine 8 with leucine.
Molecular consequence: missense variant.
Genome position (GRCh38, 1-based): chr1:185,734,802, A>T. VCF-style: chr1-185734802-A-T. GRCh37 (hg19) VCF-style: chr1-185703934-A-T.
Other names: short protein forms H8L.
Identifiers: ClinVar variation 3016323 (VCV003016323.3), dbSNP rs1204886555, ClinGen allele CA344057910.
Genomic context (GRCh38, chr1:185,734,802, plus strand): 5'-AGGCGCTGAGGGGGAAAAAGAGGGGGAAAAAAAAGAAAATGATTTCCTGGGAAGTTGTCC[A>T]TACAGTATTCCTGTTTGCTCTTCTTTATTCTTCCCTAGCTCAAGATGCGAGCCCCCAGTC-3'
Protein context (NP_114141.2, residues 1-18): MISWEVV[His8Leu]TVFLFALLYS

ClinVar aggregate classification (germline): Uncertain significance (1 of 4 stars; one submission).

Allele frequency attached by ClinVar (database versions not stated): gnomAD exomes below 0.00001; TOPMed below 0.00001; gnomAD 0.00001.
gnomAD v4.1: 3 of 1,614,016 alleles (0.00019%); highest among the groups gnomAD compares: Admixed American, 0.005%; no homozygotes.

Submission:

Labcorp Genetics (formerly Invitae), Labcorp
Classification: Uncertain significance. Last evaluated: 2023-12-24. Review status: criteria provided, single submitter. Criteria: Invitae Variant Classification Sherloc (09022015). Collection method: clinical testing. Allele origin: germline.
Comment: This sequence change replaces histidine, which is basic and polar, with leucine, which is neutral and non-polar, at codon 8 of the HMCN1 protein (p.His8Leu). This variant is present in population databases (no rsID available, gnomAD 0.003%). This variant has not been reported in the literature in individuals affected with HMCN1-related conditions. An algorithm developed to predict the effect of missense changes on protein structure and function (PolyPhen-2) suggests that this variant is likely to be tolerated. In summary, the available evidence is currently insufficient to determine the role of this variant in disease. Therefore, it has been classified as a Variant of Uncertain Significance.